The following is an entry in ClinVar:

ClinVar aggregate classification (germline): Uncertain significance (1 of 4 stars; one submission).

Conditions:
Hereditary cancer-predisposing syndrome. Also called: Hereditary Cancer Syndrome; Hereditary neoplastic syndrome; Neoplastic Syndromes, Hereditary; Tumor predisposition. Identifiers: Orphanet 140162, MedGen C0027672, MeSH D009386, MONDO:0015356.

gnomAD v4.1: 4 of 1,614,156 alleles (0.00025%); highest among the groups gnomAD compares: Non-Finnish European, 0.00034%; no homozygotes.

Submission:

Ambry Genetics
Classification: Uncertain significance for Hereditary cancer-predisposing syndrome. Last evaluated: 2025-09-04. Review status: criteria provided, single submitter. Criteria: Ambry Variant Classification Scheme 2023. Collection method: clinical testing. Allele origin: germline.
Comment: The p.D476N variant (also known as c.1426G>A), located in coding exon 9 of the FLCN gene, results from a G to A substitution at nucleotide position 1426. The aspartic acid at codon 476 is replaced by asparagine, an amino acid with highly similar properties. This amino acid position is conserved. In addition, this alteration is predicted to be tolerated by in silico analysis. Based on the available evidence, the clinical significance of this variant remains unclear.

NM_144997.7(FLCN):c.1426G>A (p.Asp476Asn)

Gene: FLCN (folliculin; minus strand). Cytogenetic location: 17p11.2.
Variant type: single nucleotide variant.
Coding change: c.1426G>A on transcript NM_144997.7 (MANE Select); coding-DNA position 1426, G replaced by A.
Protein change: p.Asp476Asn; replaces aspartic acid 476 with asparagine.
Molecular consequence: missense variant.
Genome position (GRCh38, 1-based): chr17:17,215,191, C>T on the plus strand (G>A on the coding strand, the complement: FLCN is on the minus strand). VCF-style: chr17-17215191-C-T. GRCh37 (hg19) VCF-style: chr17-17118505-C-T.
Other names: c.1480G>A, p.Asp494Asn (NM_001353229.2); c.1426G>A, p.Asp476Asn (NM_001353230.2, NM_001353231.2); short protein forms D494N, D476N.
Identifiers: ClinVar variation 4257950 (VCV004257950.1).